The following is an entry in ClinVar:

NM_017547.4(FOXRED1):c.574C>G (p.Gln192Glu)

Gene: FOXRED1 (FAD dependent oxidoreductase domain containing 1; plus strand). Cytogenetic location: 11q24.2.
Variant type: single nucleotide variant.
Coding change: c.574C>G on transcript NM_017547.4 (MANE Select); coding-DNA position 574, C replaced by G.
Protein change: p.Gln192Glu; replaces glutamine 192 with glutamic acid.
Molecular consequence: missense variant. On other transcripts: non-coding transcript variant (2).
Genome position (GRCh38, 1-based): chr11:126,274,964, C>G. VCF-style: chr11-126274964-C-G. GRCh37 (hg19) VCF-style: chr11-126144859-C-G.
Other names: c.574C>G (NM_017547.3); short protein forms Q192E.
Identifiers: ClinVar variation 1601296 (VCV001601296.10), dbSNP rs187124232, ClinGen allele CA6354134.

ClinVar aggregate classification (germline): Conflicting classifications of pathogenicity. Review status: criteria provided, conflicting classifications (1 of 4 stars). 3 submissions from 3 submitters: Uncertain significance (1); Benign (1); Likely benign (1). Last evaluated 2025-06-23.

Allele frequency attached by ClinVar (database versions not stated): ExAC 0.00023; gnomAD 0.00031.
gnomAD v4.1: 245 of 1,613,580 alleles (0.015%); highest among the groups gnomAD compares: Non-Finnish European, 0.0047%; no homozygotes.

Submissions (3):

Labcorp Genetics (formerly Invitae), Labcorp
Classification: Benign. Last evaluated: 2025-06-23. Review status: criteria provided, single submitter. Criteria: Invitae Variant Classification Sherloc (09022015). Collection method: clinical testing. Allele origin: germline.

Blueprint Genetics
Classification: Likely benign. Last evaluated: 2024-10-18. Review status: criteria provided, single submitter. Criteria: ACMG Guidelines, 2015. Collection method: clinical testing. Allele origin: germline.

GeneDx
Classification: Uncertain significance. Last evaluated: 2024-07-02. Review status: criteria provided, single submitter. Criteria: GeneDx Variant Classification Process June 2021. Collection method: clinical testing. Allele origin: germline. Affected: yes.
Comment: In silico analysis indicates that this missense variant does not alter protein structure/function; Has not been previously published as pathogenic or benign to our knowledge